The following is an entry in ClinVar:

ClinVar aggregate classification (germline): Likely pathogenic (1 of 4 stars; one submission).

Submission:

CeGaT Center for Human Genetics Tuebingen
Classification: Likely pathogenic. Last evaluated: 2025-11-01. Review status: criteria provided, single submitter. Criteria: CeGaT Center For Human Genetics Tuebingen Variant Classification Criteria Version 2. Collection method: clinical testing. Allele origin: germline. Affected: yes. Observed: 1 variant allele.
Comment: SCN1A: PM1, PM2, PM5, PP2, PP3, PS4:Supporting

NM_001165963.4(SCN1A):c.2866A>G (p.Met956Val)

Gene: SCN1A (sodium voltage-gated channel alpha subunit 1; minus strand). Cytogenetic location: 2q24.3.
Variant type: single nucleotide variant.
Coding change: c.2866A>G on transcript NM_001165963.4 (MANE Select); coding-DNA position 2866, A replaced by G.
Protein change: p.Met956Val; replaces methionine 956 with valine.
Molecular consequence: missense variant. On other transcripts: non-coding transcript variant (1).
Genome position (GRCh38, 1-based): chr2:166,037,856, T>C on the plus strand (A>G on the coding strand, the complement: SCN1A is on the minus strand). VCF-style: chr2-166037856-T-C. GRCh37 (hg19) VCF-style: chr2-166894366-T-C.
Other names: c.2830A>G, p.Met944Val (NM_001353954.2, NM_001353955.2); c.2782A>G, p.Met928Val (NM_001353957.2, NM_001353958.2, NM_001165964.3); c.2779A>G, p.Met927Val (NM_001353960.2); c.424A>G, p.Met142Val (NM_001353961.2); c.2833A>G, p.Met945Val (NM_006920.6, NM_001353949.2, NM_001353950.2 and 2 more transcripts); c.2866A>G, p.Met956Val (NM_001202435.3, NM_001353948.2); short protein forms M142V, M927V, M928V, M944V, M945V, M956V.
Identifiers: ClinVar variation 4534624 (VCV004534624.6).